The following is an entry in ClinVar:

ClinVar aggregate classification (germline): Pathogenic (1 of 4 stars; one submission).

Submission:

Labcorp Genetics (formerly Invitae), Labcorp
Classification: Pathogenic. Last evaluated: 2025-12-03. Review status: criteria provided, single submitter. Criteria: Invitae Variant Classification Sherloc (09022015). Collection method: clinical testing. Allele origin: germline.
Comment: This sequence change creates a premature translational stop signal (p.Ser16Valfs*16) in the RIN2 gene. It is expected to result in an absent or disrupted protein product. Loss-of-function variants in RIN2 are known to be pathogenic (PMID: 19631308). This variant is not present in population databases (gnomAD no frequency). This variant has not been reported in the literature in individuals affected with RIN2-related conditions. ClinVar contains an entry for this variant (Variation ID: 1956833). For these reasons, this variant has been classified as Pathogenic.

Literature cited by the submitters: PubMed 19631308.

NM_018993.4(RIN2):c.46del (p.Ser16fs)

Gene: RIN2 (Ras and Rab interactor 2; plus strand). Cytogenetic location: 20p11.23.
Variant type: Deletion.
Coding change: c.46del on transcript NM_018993.4 (MANE Select); coding-DNA position 46, one base deleted (A; older notation c.46delA).
Protein change: p.Ser16fs; shifts the reading frame from serine 16.
Molecular consequence: frameshift variant. On other transcripts: 5 prime UTR variant (1).
Genome position (GRCh38, 1-based): chr20:19,889,647, A deleted; the last of 2 consecutive A bases (chr20:19,889,646-19,889,647); deleting either gives the same sequence. VCF-style (leftmost placement, unchanged base first): chr20-19889645-GA-G. GRCh37 (hg19) VCF-style: chr20-19870289-GA-G.
Other names: c.193del, p.Ser65fs (NM_001242581.2); c.-500del (NM_001378238.1); short protein forms S16fs, S65fs.
Identifiers: ClinVar variation 1956833 (VCV001956833.5), dbSNP rs2514854877, ClinGen allele CA2580097927.